The following is an entry in ClinVar:

ClinVar aggregate classification (germline): Uncertain significance (1 of 4 stars; one submission).

Conditions:
Catecholaminergic polymorphic ventricular tachycardia 1. Also called: RYR2-Related Catecholaminergic Polymorphic Ventricular Tachycardia; VENTRICULAR TACHYCARDIA, STRESS-INDUCED POLYMORPHIC 1; VENTRICULAR TACHYCARDIA, CATECHOLAMINERGIC POLYMORPHIC, 1, WITH OR WITHOUT ATRIAL DYSFUNCTION AND/OR DILATED CARDIOMYOPATHY. Identifiers: Orphanet 3286, MedGen C1631597, MONDO:0011484, OMIM 604772.

Allele frequency attached by ClinVar (database versions not stated): gnomAD exomes below 0.00001.
gnomAD v4.1: 1 of 1,613,410 alleles (0.000062%); highest among the groups gnomAD compares: Non-Finnish European, 0.000085%; no homozygotes.

Submission:

Labcorp Genetics (formerly Invitae), Labcorp
Classification: Uncertain significance for Catecholaminergic polymorphic ventricular tachycardia 1. Last evaluated: 2023-07-29. Review status: criteria provided, single submitter. Criteria: Invitae Variant Classification Sherloc (09022015). Collection method: clinical testing. Allele origin: germline.
Comment: This sequence change replaces valine, which is neutral and non-polar, with alanine, which is neutral and non-polar, at codon 1594 of the RYR2 protein (p.Val1594Ala). This variant is not present in population databases (gnomAD no frequency). Advanced modeling of protein sequence and biophysical properties (such as structural, functional, and spatial information, amino acid conservation, physicochemical variation, residue mobility, and thermodynamic stability) performed at Invitae indicates that this missense variant is not expected to disrupt RYR2 protein function. This variant has not been reported in the literature in individuals affected with RYR2-related conditions. In summary, the available evidence is currently insufficient to determine the role of this variant in disease. Therefore, it has been classified as a Variant of Uncertain Significance.

NM_001035.3(RYR2):c.4781T>C (p.Val1594Ala)

Gene: RYR2 (ryanodine receptor 2; plus strand). Cytogenetic location: 1q43.
Variant type: single nucleotide variant.
Coding change: c.4781T>C on transcript NM_001035.3 (MANE Select); coding-DNA position 4781, T replaced by C.
Protein change: p.Val1594Ala; replaces valine 1594 with alanine.
Molecular consequence: missense variant.
Genome position (GRCh38, 1-based): chr1:237,610,859, T>C. VCF-style: chr1-237610859-T-C. GRCh37 (hg19) VCF-style: chr1-237774159-T-C.
Other names: short protein forms V1594A.
Identifiers: ClinVar variation 2992384 (VCV002992384.3), dbSNP rs1559110438, ClinGen allele CA345402528.